The following is an entry in ClinVar:

NM_018109.4(MTPAP):c.158-3T>C

Gene: MTPAP (mitochondrial poly(A) polymerase; minus strand). Cytogenetic location: 10p11.23.
Variant type: single nucleotide variant.
Coding change: c.158-3T>C on transcript NM_018109.4 (MANE Select); 3 bases into the intron before coding-DNA position 158, T replaced by C.
Molecular consequence: intron variant.
Genome position (GRCh38, 1-based): chr10:30,341,643, A>G on the plus strand (T>C on the coding strand, the complement: MTPAP is on the minus strand). VCF-style: chr10-30341643-A-G. GRCh37 (hg19) VCF-style: chr10-30630572-A-G.
Identifiers: ClinVar variation 1917896 (VCV001917896.3), dbSNP rs1377854980, ClinGen allele CA663672330.
Genomic context (GRCh38, chr10:30,341,643, plus strand): 5'-TCTCGTCTTTCATTTTGCATCTCAGAGAATCTCCTTTTGGGAATCTTGTCTTCAAAGCCT[A>G]TGAACGAGACAAAAACATTTCCACCACACGCACACACACAAAATTTTAAAAATATTTTGA-3'

ClinVar aggregate classification (germline): Uncertain significance (1 of 4 stars; one submission).

Allele frequency attached by ClinVar (database versions not stated): gnomAD 0.00001; TOPMed 0.00002.
gnomAD v4.1: 2 of 1,613,734 alleles (0.00012%); highest among the groups gnomAD compares: African/African-American, 0.0027%; no homozygotes.

Submission:

Labcorp Genetics (formerly Invitae), Labcorp
Classification: Uncertain significance. Last evaluated: 2023-05-08. Review status: criteria provided, single submitter. Criteria: Invitae Variant Classification Sherloc (09022015). Collection method: clinical testing. Allele origin: germline.
Comment: In summary, the available evidence is currently insufficient to determine the role of this variant in disease. Therefore, it has been classified as a Variant of Uncertain Significance. Variants that disrupt the consensus splice site are a relatively common cause of aberrant splicing (PMID: 17576681, 9536098). Algorithms developed to predict the effect of sequence changes on RNA splicing suggest that this variant is not likely to affect RNA splicing. ClinVar contains an entry for this variant (Variation ID: 1917896). This variant has not been reported in the literature in individuals affected with MTPAP-related conditions. This variant is not present in population databases (gnomAD no frequency). This sequence change falls in intron 1 of the MTPAP gene. It does not directly change the encoded amino acid sequence of the MTPAP protein. It affects a nucleotide within the consensus splice site.

Literature cited by the submitters: PubMed 17576681; PubMed 9536098.